The following is an entry in ClinVar:

ClinVar aggregate classification (germline): Uncertain significance. Review status: criteria provided, multiple submitters, no conflicts (2 of 4 stars). 2 submissions from 2 submitters: Uncertain significance (2). Last evaluated 2025-02-19.

Conditions:
Inborn genetic diseases. Identifiers: MedGen C0950123, MeSH D030342.

Allele frequency attached by ClinVar (database versions not stated): gnomAD exomes below 0.00001; TOPMed 0.00001.
gnomAD v4.1: 2 of 1,611,350 alleles (0.00012%); highest among the groups gnomAD compares: South Asian, 0.0011%; no homozygotes.

Submissions (2):

Labcorp Genetics (formerly Invitae), Labcorp
Classification: Uncertain significance. Last evaluated: 2025-02-19. Review status: criteria provided, single submitter. Criteria: Invitae Variant Classification Sherloc (09022015). Collection method: clinical testing. Allele origin: germline.
Comment: This sequence change replaces glutamine, which is neutral and polar, with arginine, which is basic and polar, at codon 1289 of the KMT2C protein (p.Gln1289Arg). This variant is present in population databases (no rsID available, gnomAD 0.003%). This variant has not been reported in the literature in individuals affected with KMT2C-related conditions. ClinVar contains an entry for this variant (Variation ID: 3116030). Invitae Evidence Modeling of protein sequence and biophysical properties (such as structural, functional, and spatial information, amino acid conservation, physicochemical variation, residue mobility, and thermodynamic stability) has been performed for this missense variant. However, the output from this modeling did not meet the statistical confidence thresholds required to predict the impact of this variant on KMT2C protein function. In summary, the available evidence is currently insufficient to determine the role of this variant in disease. Therefore, it has been classified as a Variant of Uncertain Significance.

Ambry Genetics
Classification: Uncertain significance for Inborn genetic diseases. Last evaluated: 2023-10-25. Review status: criteria provided, single submitter. Criteria: Ambry Variant Classification Scheme 2023. Collection method: clinical testing. Allele origin: germline.

NM_170606.3(KMT2C):c.3866A>G (p.Gln1289Arg)

Gene: KMT2C (lysine methyltransferase 2C; minus strand). Cytogenetic location: 7q36.1.
Variant type: single nucleotide variant.
Coding change: c.3866A>G on transcript NM_170606.3 (MANE Select); coding-DNA position 3866, A replaced by G.
Protein change: p.Gln1289Arg; replaces glutamine 1289 with arginine.
Molecular consequence: missense variant.
Genome position (GRCh38, 1-based): chr7:152,205,201, T>C on the plus strand (A>G on the coding strand, the complement: KMT2C is on the minus strand). VCF-style: chr7-152205201-T-C. GRCh37 (hg19) VCF-style: chr7-151902286-T-C.
Other names: short protein forms Q1289R.
Identifiers: ClinVar variation 3116030 (VCV003116030.2), dbSNP rs1174822708, ClinGen allele CA370108306.